The following is an entry in ClinVar:

NM_000875.5(IGF1R):c.338A>G (p.Tyr113Cys)

Gene: IGF1R (insulin like growth factor 1 receptor; plus strand). Cytogenetic location: 15q26.3.
Variant type: single nucleotide variant.
Coding change: c.338A>G on transcript NM_000875.5 (MANE Select); coding-DNA position 338, A replaced by G.
Protein change: p.Tyr113Cys; replaces tyrosine 113 with cysteine.
Molecular consequence: missense variant.
Genome position (GRCh38, 1-based): chr15:98,707,805, A>G. VCF-style: chr15-98707805-A-G. GRCh37 (hg19) VCF-style: chr15-99251034-A-G.
Other names: c.338A>G, p.Tyr113Cys (NM_001291858.2); short protein forms Y113C.
Identifiers: ClinVar variation 4531516 (VCV004531516.1).

ClinVar aggregate classification (germline): Likely pathogenic (1 of 4 stars; one submission).

Conditions:
Growth delay due to insulin-like growth factor I resistance. Also called: IGF-I RESISTANCE; Insulin-Like Growth Factor I Resistance; Somatomedin end-organ insensitivity to; Somatomedin-c resistance to; IGF-1 resistance. Identifiers: Orphanet 73273, MedGen C1849157, MONDO:0010038, OMIM 270450.

Submission:

Victorian Clinical Genetics Services, Murdoch Childrens Research Institute
Classification: Likely pathogenic for Growth delay due to insulin-like growth factor I resistance. Last evaluated: 2024-10-29. Review status: criteria provided, single submitter. Criteria: ACMG Guidelines, 2015. Collection method: clinical testing. Allele origin: germline. Affected: yes.
Comment: This variant is classified as Likely pathogenic. Evidence in support of pathogenic classification: Variant is absent from gnomAD (v2, v3 and v4); Missense variant consistently predicted to be damaging by an in silico tool or highly conserved with a major amino acid change; Additional information: Variant is predicted to result in a missense amino acid change from tyrosine to cysteine; This variant is heterozygous; This gene is associated with both recessive and dominant disease. Autosomal dominant is the predominant mode of inheritance, with biallelic individuals displaying a more severe phenotype (PMID: 31586944); This variant has no previous evidence of pathogenicity; No published segregation evidence has been identified for this variant; No published functional evidence has been identified for this variant; No comparable missense variants have previous evidence for pathogenicity; Variant is located in the annotated receptor L domain (DECIPHER); Loss of function is a known mechanism of disease in this gene and is associated with resistance to insulin-like growth factor 1 (MIM#270450).

Literature cited by the submitters: PubMed 31586944.